The following is an entry in ClinVar:

ClinVar aggregate classification (germline): Uncertain significance (1 of 4 stars; one submission).

gnomAD v4.1: 145 of 1,607,782 alleles (0.009%); highest among the groups gnomAD compares: Admixed American, 0.013%; no homozygotes.

Submission:

CeGaT Center for Human Genetics Tuebingen
Classification: Uncertain significance. Last evaluated: 2024-09-01. Review status: criteria provided, single submitter. Criteria: CeGaT Center For Human Genetics Tuebingen Variant Classification Criteria Version 2. Collection method: clinical testing. Allele origin: germline. Affected: yes. Observed: 1 variant allele.
Comment: TENM4: PP3

NM_001098816.3(TENM4):c.2325C>T (p.Cys775=)

Gene: TENM4 (teneurin transmembrane protein 4; minus strand). Cytogenetic location: 11q14.1.
Variant type: single nucleotide variant.
Coding change: c.2325C>T on transcript NM_001098816.3 (MANE Select); coding-DNA position 2325, C replaced by T.
Protein change: p.Cys775=; no amino-acid change (cysteine 775 retained).
Molecular consequence: synonymous variant.
Genome position (GRCh38, 1-based): chr11:78,786,938, G>A on the plus strand (C>T on the coding strand, the complement: TENM4 is on the minus strand). VCF-style: chr11-78786938-G-A. GRCh37 (hg19) VCF-style: chr11-78497983-G-A.
Identifiers: ClinVar variation 3389339 (VCV003389339.14).